The following is an entry in ClinVar:

ClinVar aggregate classification (germline): Pathogenic (1 of 4 stars; one submission).

Conditions:
Polycystic kidney disease, adult type (PKD1). Also called: POLYCYSTIC KIDNEY DISEASE, ADULT, TYPE I; Polycystic Kidney Disease 1, Autosomal Dominant; Polycystic kidney disease 1; Polycystic kidney disease 1, severe; Polycystic Kidney, Autosomal Dominant; POLYCYSTIC KIDNEY DISEASE 1 WITH OR WITHOUT POLYCYSTIC LIVER DISEASE. Identifiers: MedGen C3149841, MONDO:0008263, OMIM 173900.

Submission:

MVZ Medizinische Genetik Mainz
Classification: Pathogenic for Polycystic kidney disease, adult type. Last evaluated: 2024-03-06. Review status: criteria provided, single submitter. Criteria: UK Practice Guidelines For Variant Classification V4 01 2020. Collection method: clinical testing. Allele origin: germline. Inheritance: Autosomal dominant inheritance. Affected: yes. Observed: 1 variant allele.
Comment: ACMG Criteria: PVS1,PS4_SUP,PM2_SUP,PP4

NM_001009944.3(PKD1):c.4429del (p.Leu1479fs)

Gene: PKD1 (polycystin 1, transient receptor potential channel interacting; minus strand). Cytogenetic location: 16p13.3.
Variant type: Deletion.
Coding change: c.4429del on transcript NM_001009944.3 (MANE Select); coding-DNA position 4429, one base deleted (C; older notation c.4429delC).
Protein change: p.Leu1479fs; shifts the reading frame from leucine 1479.
Molecular consequence: frameshift variant.
Genome position (GRCh38, 1-based): chr16:2,110,738, G deleted on the plus strand (C on the coding strand, the reverse complement: PKD1 is on the minus strand); the first of 3 consecutive G bases (chr16:2,110,738-2,110,740); deleting any one gives the same sequence. VCF-style (leftmost placement, unchanged base first): chr16-2110737-AG-A. GRCh37 (hg19) VCF-style: chr16-2160738-AG-A.
Other names: c.4429del, p.Leu1479fs (NM_000296.4); short protein forms L1479fs.
Identifiers: ClinVar variation 4857245 (VCV004857245.1).